The following is an entry in ClinVar:

ClinVar aggregate classification (germline): Conflicting classifications of pathogenicity. Review status: criteria provided, conflicting classifications (1 of 4 stars). 2 submissions from 2 submitters: Uncertain significance (1); Likely benign (1). Last evaluated 2025-11-08.

Conditions:
LRP5-related disorder. Also called: LRP5-related condition.

Allele frequency attached by ClinVar (database versions not stated): gnomAD 0.00001; ExAC 0.00003; TOPMed 0.00004; gnomAD exomes 0.00005.
gnomAD v4.1: 60 of 1,479,690 alleles (0.0041%); highest among the groups gnomAD compares: Admixed American, 0.025%; no homozygotes.

Submissions (2):

Labcorp Genetics (formerly Invitae), Labcorp
Classification: Likely benign. Last evaluated: 2025-11-08. Review status: criteria provided, single submitter. Criteria: Invitae Variant Classification Sherloc (09022015). Collection method: clinical testing. Allele origin: germline.

PreventionGenetics, part of Exact Sciences
Classification: Uncertain significance for LRP5-related condition. Last evaluated: 2025-09-18. Review status: criteria provided, single submitter. Criteria: ACMG Guidelines, 2015. Collection method: clinical testing. Allele origin: germline.
Comment: The LRP5 c.1005G>A variant is not predicted to result in an amino acid change (p.=). However, this variant is predicted to impact splicing according to one splicing algorithm (SpliceAI, Jaganathan et al. 2019. PubMed ID: 30661751). To our knowledge, this variant has not been reported in the literature. This variant is reported in 0.025% of alleles in individuals of Latino descent in gnomAD. At this time, the clinical significance of this variant is uncertain due to the absence of conclusive functional and genetic evidence.

NM_002335.4(LRP5):c.1005G>A (p.Thr335=)

Gene: LRP5 (LDL receptor related protein 5; plus strand). Cytogenetic location: 11q13.2.
Variant type: single nucleotide variant.
Coding change: c.1005G>A on transcript NM_002335.4 (MANE Select); coding-DNA position 1005, G replaced by A.
Protein change: p.Thr335=; no amino-acid change (threonine 335 retained).
Molecular consequence: synonymous variant. On other transcripts: 5 prime UTR variant (1).
Genome position (GRCh38, 1-based): chr11:68,365,692, G>A. VCF-style: chr11-68365692-G-A. GRCh37 (hg19) VCF-style: chr11-68133160-G-A.
Other names: c.1005G>A (NM_002335.3); c.-761G>A (NM_001291902.2).
Identifiers: ClinVar variation 1644204 (VCV001644204.9), dbSNP rs756268764, ClinGen allele CA6149185.